The following is an entry in ClinVar:

ClinVar aggregate classification (germline): Uncertain significance (1 of 4 stars; one submission).

Conditions:
Hereditary cancer-predisposing syndrome. Also called: Hereditary neoplastic syndrome; Neoplastic Syndromes, Hereditary; Tumor predisposition; Hereditary Cancer Syndrome. Identifiers: Orphanet 140162, MedGen C0027672, MeSH D009386, MONDO:0015356.

gnomAD v4.1: 2 of 1,614,212 alleles (0.00012%); highest among the groups gnomAD compares: South Asian, 0.0022%; no homozygotes.

Submission:

Ambry Genetics
Classification: Uncertain significance for Hereditary cancer-predisposing syndrome. Last evaluated: 2025-08-27. Review status: criteria provided, single submitter. Criteria: Ambry Variant Classification Scheme 2023. Collection method: clinical testing. Allele origin: germline.
Comment: The p.A129G variant (also known as c.386C>G), located in coding exon 4 of the MUTYH gene, results from a C to G substitution at nucleotide position 386. The alanine at codon 129 is replaced by glycine, an amino acid with similar properties. This amino acid position is conserved. In addition, the in silico prediction for this alteration is inconclusive. Based on the available evidence, the clinical significance of this variant remains unclear.

NM_001048174.2(MUTYH):c.302C>G (p.Ala101Gly)

Gene: MUTYH (mutY DNA glycosylase; minus strand). Cytogenetic location: 1p34.1.
Variant type: single nucleotide variant.
Coding change: c.302C>G on transcript NM_001048174.2 (MANE Select); coding-DNA position 302, C replaced by G.
Protein change: p.Ala101Gly; replaces alanine 101 with glycine.
Molecular consequence: missense variant. On other transcripts: non-coding transcript variant (7).
Genome position (GRCh38, 1-based): chr1:45,333,287, G>C on the plus strand (C>G on the coding strand, the complement: MUTYH is on the minus strand). VCF-style: chr1-45333287-G-C. GRCh37 (hg19) VCF-style: chr1-45798959-G-C.
Other names: c.31C>G, p.Leu11Val (NM_001350651.2, NM_001350650.2, NM_001407082.1); c.377C>G, p.Ala126Gly (NM_001407069.1, NM_012222.3); c.302C>G, p.Ala101Gly (NM_001407070.1, NM_001407072.1, NM_001048171.2 and 6 more transcripts); c.305C>G, p.Ala102Gly (NM_001407071.1, NM_001407078.1, NM_001407079.1 and 2 more transcripts); c.344C>G, p.Ala115Gly (NM_001407073.1, NM_001407083.1, NM_001407085.1); c.218C>G, p.Ala73Gly (NM_001407075.1); c.335C>G, p.Ala112Gly (NM_001407077.1, NM_001293191.2); c.26C>G, p.Ala9Gly (NM_001407091.1, NM_001293192.2, NM_001293196.2); and 3 more; short protein forms A101G, A73G, L11V, A115G, A102G, A108G, A112G, A129G.
Identifiers: ClinVar variation 4113646 (VCV004113646.1).